The following is an entry in ClinVar:

ClinVar aggregate classification (germline): Uncertain significance. Review status: criteria provided, multiple submitters, no conflicts (2 of 4 stars). 10 submissions from 10 submitters: Uncertain significance (6). 4 of the submissions do not count toward it. Last evaluated 2025-07-10.

Conditions:
Inborn genetic diseases. Identifiers: MedGen C0950123, MeSH D030342.
PMM2-congenital disorder of glycosylation. Also called: PMM2-CDG; PHOSPHOMANNOMUTASE 2 DEFICIENCY; CARBOHYDRATE-DEFICIENT GLYCOPROTEIN SYNDROME, TYPE Ia; Congenital disorder of glycosylation, type Ia; CDG Ia; JAEKEN SYNDROME. Identifiers: Orphanet 79318, MedGen C0349653, MONDO:0008907, OMIM 212065.

Allele frequency attached by ClinVar (database versions not stated): gnomAD exomes 0.00004 and 0.00011; ExAC 0.00012; 1000 Genomes Project 30x 0.00016; 1000 Genomes Project 0.00020; ESP Exome Variant Server 0.00023; TOPMed 0.00036; gnomAD 0.00038 and 0.00039.
gnomAD v4.1: 122 of 1,613,786 alleles (0.0076%); highest among the groups gnomAD compares: Middle Eastern, 0.12%; 1 homozygote.

Submissions (10):

Ambry Genetics
Classification: Uncertain significance for Inborn genetic diseases. Last evaluated: 2025-07-10. Review status: criteria provided, single submitter. Criteria: Ambry Variant Classification Scheme 2023. Collection method: clinical testing. Allele origin: germline.

Labcorp Genetics (formerly Invitae), Labcorp
Classification: Uncertain significance for PMM2-congenital disorder of glycosylation. Last evaluated: 2022-11-01. Review status: criteria provided, single submitter. Criteria: Invitae Variant Classification Sherloc (09022015). Collection method: clinical testing. Allele origin: germline.
Comment: This sequence change replaces glutamic acid, which is acidic and polar, with aspartic acid, which is acidic and polar, at codon 219 of the PMM2 protein (p.Glu219Asp). This variant is present in population databases (rs144040842, gnomAD 0.1%). This variant has not been reported in the literature in individuals affected with PMM2-related conditions. ClinVar contains an entry for this variant (Variation ID: 289152). Advanced modeling of protein sequence and biophysical properties (such as structural, functional, and spatial information, amino acid conservation, physicochemical variation, residue mobility, and thermodynamic stability) has been performed at Invitae for this missense variant, however the output from this modeling did not meet the statistical confidence thresholds required to predict the impact of this variant on PMM2 protein function. In summary, the available evidence is currently insufficient to determine the role of this variant in disease. Therefore, it has been classified as a Variant of Uncertain Significance.

Fulgent Genetics
Classification: Uncertain significance for PMM2-congenital disorder of glycosylation. Last evaluated: 2022-05-27. Review status: criteria provided, single submitter. Criteria: ACMG Guidelines, 2015. Collection method: clinical testing. Allele origin: unknown.

Genetic Services Laboratory, University of Chicago
Classification: Uncertain significance. Last evaluated: 2018-03-19. Review status: criteria provided, single submitter. Criteria: ACMG Guidelines, 2015. Collection method: clinical testing. Allele origin: germline. Affected: no.

Illumina Laboratory Services, Illumina
Classification: Uncertain significance for PMM2-congenital disorder of glycosylation. Last evaluated: 2017-04-28. Review status: criteria provided, single submitter. Criteria: ICSL Variant Classification Criteria 13 December 2019. Collection method: clinical testing. Allele origin: germline.

Eurofins Ntd Llc (ga)
Classification: Uncertain significance. Last evaluated: 2016-06-27. Review status: criteria provided, single submitter. Criteria: EGL Classification Definitions 2015. Collection method: clinical testing. Allele origin: germline. Observed: 1 variant allele, 1 heterozygote.

Natera, Inc.
Classification: Uncertain significance for Congenital disorder of glycosylation type 1a. Last evaluated: 2020-01-19. Review status: no assertion criteria provided. Collection method: clinical testing. Allele origin: germline. Not counted in ClinVar's aggregate classification.

Clinical Genetics DNA and cytogenetics Diagnostics Lab, Erasmus MC, Erasmus Medical Center
Classification: Uncertain significance. Review status: no assertion criteria provided. Collection method: clinical testing. Allele origin: germline. Affected: yes. Study: VKGL Data-share Consensus. Not counted in ClinVar's aggregate classification.

Diagnostic Laboratory, Department of Genetics, University Medical Center Groningen
Classification: Uncertain significance. Review status: no assertion criteria provided. Collection method: clinical testing. Allele origin: germline. Affected: yes. Study: VKGL Data-share Consensus. Not counted in ClinVar's aggregate classification.

Joint Genome Diagnostic Labs from Nijmegen and Maastricht, Radboudumc and MUMC+
Classification: Uncertain significance. Review status: no assertion criteria provided. Collection method: clinical testing. Allele origin: germline. Affected: yes. Study: VKGL Data-share Consensus. Not counted in ClinVar's aggregate classification.

NM_000303.3(PMM2):c.657G>C (p.Glu219Asp)

Gene: PMM2 (phosphomannomutase 2; plus strand). Cytogenetic location: 16p13.2.
Variant type: single nucleotide variant.
Coding change: c.657G>C on transcript NM_000303.3 (MANE Select); coding-DNA position 657, G replaced by C.
Protein change: p.Glu219Asp; replaces glutamic acid 219 with aspartic acid.
Molecular consequence: missense variant.
Genome position (GRCh38, 1-based): chr16:8,847,741, G>C. VCF-style: chr16-8847741-G-C. GRCh37 (hg19) VCF-style: chr16-8941598-G-C.
Other names: short protein forms E219D.
Identifiers: ClinVar variation 289152 (VCV000289152.23), dbSNP rs144040842, ClinGen allele CA7894196.